The following is an entry in ClinVar:

ClinVar aggregate classification (germline): Uncertain significance. Review status: criteria provided, multiple submitters, no conflicts (2 of 4 stars). 2 submissions from 2 submitters: Uncertain significance (2). Last evaluated 2025-11-13.

Submissions (2):

Ambry Genetics
Classification: Uncertain significance. Last evaluated: 2025-11-13. Review status: criteria provided, single submitter. Criteria: Ambry Variant Classification Scheme 2023. Collection method: clinical testing. Allele origin: germline.

Labcorp Genetics (formerly Invitae), Labcorp
Classification: Uncertain significance. Last evaluated: 2025-06-12. Review status: criteria provided, single submitter. Criteria: Invitae Variant Classification Sherloc (09022015). Collection method: clinical testing. Allele origin: germline.
Comment: This sequence change replaces valine, which is neutral and non-polar, with methionine, which is neutral and non-polar, at codon 1110 of the ITGAM protein (p.Val1110Met). This variant is not present in population databases (gnomAD no frequency). This variant has not been reported in the literature in individuals affected with ITGAM-related conditions. ClinVar contains an entry for this variant (Variation ID: 2004539). An algorithm developed to predict the effect of missense changes on protein structure and function (PolyPhen-2) suggests that this variant is likely to be disruptive. In summary, the available evidence is currently insufficient to determine the role of this variant in disease. Therefore, it has been classified as a Variant of Uncertain Significance.

NM_000632.4(ITGAM):c.3328G>A (p.Val1110Met)

Gene: ITGAM (integrin subunit alpha M; plus strand). Cytogenetic location: 16p11.2.
Variant type: single nucleotide variant.
Coding change: c.3328G>A on transcript NM_000632.4 (MANE Select); coding-DNA position 3328, G replaced by A.
Protein change: p.Val1110Met; replaces valine 1110 with methionine.
Molecular consequence: missense variant.
Genome position (GRCh38, 1-based): chr16:31,331,216, G>A. VCF-style: chr16-31331216-G-A. GRCh37 (hg19) VCF-style: chr16-31342537-G-A.
Other names: c.3328G>A (NM_000632.3); c.3331G>A, p.Val1111Met (NM_001145808.2); short protein forms V1110M, V1111M.
Identifiers: ClinVar variation 2004539 (VCV002004539.5), dbSNP rs2544510849, ClinGen allele CA395706324.